The following is an entry in ClinVar:

NM_001035.3(RYR2):c.49-4G>A

Gene: RYR2 (ryanodine receptor 2; plus strand). Cytogenetic location: 1q43.
Variant type: single nucleotide variant.
Coding change: c.49-4G>A on transcript NM_001035.3 (MANE Select); 4 bases into the intron before coding-DNA position 49, G replaced by A.
Molecular consequence: intron variant.
Genome position (GRCh38, 1-based): chr1:237,270,493, G>A. VCF-style: chr1-237270493-G-A. GRCh37 (hg19) VCF-style: chr1-237433793-G-A.
Other names: c.49-4G>A (LRG_402t1).
Identifiers: ClinVar variation 510098 (VCV000510098.12), dbSNP rs750038523, ClinGen allele CA086809.
Genomic context (GRCh38, chr1:237,270,493, plus strand): 5'-GATTTGGACTGTGCAGTCATGTCACGTCTCACTTATTTTTCCCTCTCTTTCTCCCCCTTT[G>A]CAGGATGATGAAGTGGTTCTGCAGTGCACCGCAACCATCCACAAAGAACAACAGAAGCTA-3'

ClinVar aggregate classification (germline): Likely benign. Review status: criteria provided, multiple submitters, no conflicts (2 of 4 stars). 2 submissions from 2 submitters: Likely benign (2). Last evaluated 2022-12-13.

Conditions:
Catecholaminergic polymorphic ventricular tachycardia 1. Also called: VENTRICULAR TACHYCARDIA, CATECHOLAMINERGIC POLYMORPHIC, 1, WITH OR WITHOUT ATRIAL DYSFUNCTION AND/OR DILATED CARDIOMYOPATHY; RYR2-Related Catecholaminergic Polymorphic Ventricular Tachycardia; VENTRICULAR TACHYCARDIA, STRESS-INDUCED POLYMORPHIC 1. Identifiers: Orphanet 3286, MedGen C1631597, MONDO:0011484, OMIM 604772.

Allele frequency attached by ClinVar (database versions not stated): ExAC below 0.00001; gnomAD exomes below 0.00001.
gnomAD v4.1: 1 of 1,572,360 alleles (0.000064%); highest among the groups gnomAD compares: Non-Finnish European, 0.000086%; no homozygotes.

Submissions (2):

Labcorp Genetics (formerly Invitae), Labcorp
Classification: Likely benign for Catecholaminergic polymorphic ventricular tachycardia 1. Last evaluated: 2022-12-13. Review status: criteria provided, single submitter. Criteria: Invitae Variant Classification Sherloc (09022015). Collection method: clinical testing. Allele origin: germline.

GeneDx
Classification: Likely benign. Last evaluated: 2017-06-12. Review status: criteria provided, single submitter. Criteria: GeneDx Variant Classification (06012015). Collection method: clinical testing. Allele origin: germline. Affected: yes.
Comment: This variant is considered likely benign or benign based on one or more of the following criteria: it is a conservative change, it occurs at a poorly conserved position in the protein, it is predicted to be benign by multiple in silico algorithms, and/or has population frequency not consistent with disease.